The following is an entry in ClinVar:

ClinVar aggregate classification (germline): Pathogenic (1 of 4 stars; one submission).

Submission:

CeGaT Center for Human Genetics Tuebingen
Classification: Pathogenic. Last evaluated: 2024-02-01. Review status: criteria provided, single submitter. Criteria: CeGaT Center For Human Genetics Tuebingen Variant Classification Criteria Version 2. Collection method: clinical testing. Allele origin: germline. Affected: yes. Observed: 1 variant allele.
Comment: MYO15A: PVS1, PM2

NM_016239.4(MYO15A):c.2873dup (p.Val959fs)

Gene: MYO15A (myosin XVA; plus strand). Cytogenetic location: 17p11.2.
Variant type: Duplication.
Coding change: c.2873dup on transcript NM_016239.4 (MANE Select); coding-DNA position 2873, one base duplicated (C; older notation c.2873dupC).
Protein change: p.Val959fs; shifts the reading frame from valine 959.
Molecular consequence: frameshift variant.
Genome position (GRCh38, 1-based): chr17:18,121,673, C duplicated; the last of 5 consecutive C bases (chr17:18,121,669-18,121,673); duplicating any one gives the same sequence. VCF-style (leftmost placement, unchanged base first): chr17-18121668-A-AC. GRCh37 (hg19) VCF-style: chr17-18024982-A-AC.
Other names: short protein forms V959fs.
Identifiers: ClinVar variation 3027328 (VCV003027328.22), dbSNP rs1217492313, ClinGen allele CA2740095287.